The following is an entry in ClinVar:

NM_007294.4(BRCA1):c.143T>C (p.Met48Thr)

Gene: BRCA1 (BRCA1 DNA repair associated; minus strand). Cytogenetic location: 17q21.31.
Variant type: single nucleotide variant.
Coding change: c.143T>C on transcript NM_007294.4 (MANE Select); coding-DNA position 143, T replaced by C.
Protein change: p.Met48Thr; replaces methionine 48 with threonine.
Molecular consequence: missense variant. On other transcripts: initiator codon variant (1), non-coding transcript variant (1).
Genome position (GRCh38, 1-based): chr17:43,106,525, A>G on the plus strand (T>C on the coding strand, the complement: BRCA1 is on the minus strand). VCF-style: chr17-43106525-A-G. GRCh37 (hg19) VCF-style: chr17-41258542-A-G.
Other names: c.-46T>C (NM_001407571.1, NM_001407853.1, NM_001407879.1 and 58 more transcripts); c.143T>C, p.Met48Thr (NM_001407581.1, NM_001407582.1, NM_001407583.1 and 168 more transcripts); c.2T>C, p.Met1Thr (NM_001407692.1, NM_001407694.1, NM_001407695.1 and 99 more transcripts); short protein forms M1T, M48T.
Identifiers: ClinVar variation 867269 (VCV000867269.5), dbSNP rs1230532866, ClinGen allele CA10601869.

ClinVar aggregate classification (germline): Uncertain significance (0 of 4 stars; one submission).

Conditions:
Breast-ovarian cancer, familial, susceptibility to, 1 (BROVCA1). Also called: BRCA1 Hereditary Breast and Ovarian Cancer; OVARIAN CANCER, SUSCEPTIBILITY TO. Identifiers: Orphanet 145, MedGen C2676676, MONDO:0011450, OMIM 604370. Disease mechanism: loss of function.

Submissions (2):

BRCAlab, Lund University
Classification: Uncertain significance for Breast-ovarian cancer, familial, susceptibility to, 1. Last evaluated: 2020-03-02. Review status: no assertion criteria provided. Collection method: clinical testing. Allele origin: germline. Affected: yes.

Brotman Baty Institute, University of Washington
No classification provided (evidence only). Condition: Breast-ovarian cancer, familial 1. Review status: no classification provided. Collection method: in vitro. Allele origin: not applicable. Functional consequence: functionally_normal. Not counted in ClinVar's aggregate classification.
ClinVar note: "not provided" was previously submitted as the classification for the variant. However, the classification appeared to be based only on an observation of functional data so it was converted to no classification on 2025-07-30.